The following is an entry in ClinVar:

ClinVar aggregate classification (germline): Likely pathogenic (1 of 4 stars; one submission).

Conditions:
Imerslund-Grasbeck syndrome type 1 (IGS1). Also called: MEGALOBLASTIC ANEMIA, 1; Imerslund-Gräsbeck syndrome 1; Megaloblastic anemia 1, Finnish type. Identifiers: MedGen C4016819, MONDO:0100156, OMIM 261100.

gnomAD v4.1: 1 of 1,594,514 alleles (0.000063%); highest among the groups gnomAD compares: Non-Finnish European, 0.000086%; no homozygotes.

Submission:

MVZ Medizinische Genetik Mainz
Classification: Likely pathogenic for Imerslund-Grasbeck syndrome type 1. Last evaluated: 2025-07-09. Review status: criteria provided, single submitter. Criteria: UK Practice Guidelines For Variant Classification V4 01 2020. Collection method: clinical testing. Allele origin: germline. Inheritance: Autosomal recessive inheritance. Affected: yes. Observed: 1 variant allele.
Comment: ACMG Criteria: PVS1,PM2_SUP

NM_001081.4(CUBN):c.9237-2A>G

Gene: CUBN (cubilin; minus strand). Cytogenetic location: 10p13.
Variant type: single nucleotide variant.
Coding change: c.9237-2A>G on transcript NM_001081.4 (MANE Select); the canonical splice acceptor site of the intron before coding-DNA position 9237, A replaced by G.
Molecular consequence: splice acceptor variant.
Genome position (GRCh38, 1-based): chr10:16,869,855, T>C on the plus strand (A>G on the coding strand, the complement: CUBN is on the minus strand). VCF-style: chr10-16869855-T-C. GRCh37 (hg19) VCF-style: chr10-16911854-T-C.
Identifiers: ClinVar variation 4072236 (VCV004072236.1).
Genomic context (GRCh38, chr10:16,869,855, plus strand): 5'-AAATTGCCAGGTAGTCATGGGAGCAGGAGGTGGAGGGAACCACATCAAAATCACTGAACC[T>C]GTGAAATGTACCTTGTTAATACTGATGTTTCCATTTGGACTTCTATTAAATTGTAGCTTT-3'